The following is an entry in ClinVar:

NM_006231.4(POLE):c.4818C>A (p.Phe1606Leu)

Gene: POLE (DNA polymerase epsilon, catalytic subunit; minus strand). Cytogenetic location: 12q24.33.
Variant type: single nucleotide variant.
Coding change: c.4818C>A on transcript NM_006231.4 (MANE Select); coding-DNA position 4818, C replaced by A.
Protein change: p.Phe1606Leu; replaces phenylalanine 1606 with leucine.
Molecular consequence: missense variant.
Genome position (GRCh38, 1-based): chr12:132,642,640, G>T on the plus strand (C>A on the coding strand, the complement: POLE is on the minus strand). VCF-style: chr12-132642640-G-T. GRCh37 (hg19) VCF-style: chr12-133219226-G-T.
Other names: short protein forms F1606L.
Identifiers: ClinVar variation 1426881 (VCV001426881.6), dbSNP rs2138535739, ClinGen allele CA387378290.

ClinVar aggregate classification (germline): Uncertain significance (1 of 4 stars; one submission).

Allele frequency attached by ClinVar (database versions not stated): gnomAD exomes below 0.00001.
gnomAD v4.1: 2 of 1,613,222 alleles (0.00012%); highest among the groups gnomAD compares: Non-Finnish European, 0.00017%; no homozygotes.

Submission:

Labcorp Genetics (formerly Invitae), Labcorp
Classification: Uncertain significance. Last evaluated: 2021-09-15. Review status: criteria provided, single submitter. Criteria: Invitae Variant Classification Sherloc (09022015). Collection method: clinical testing. Allele origin: germline.
Comment: This sequence change replaces phenylalanine with leucine at codon 1606 of the POLE protein (p.Phe1606Leu). The phenylalanine residue is highly conserved and there is a small physicochemical difference between phenylalanine and leucine. This variant is not present in population databases (ExAC no frequency). This variant has not been reported in the literature in individuals affected with POLE-related conditions. Algorithms developed to predict the effect of missense changes on protein structure and function are either unavailable or do not agree on the potential impact of this missense change (SIFT: "Tolerated"; PolyPhen-2: "Possibly Damaging"; Align-GVGD: "Class C0"). In summary, the available evidence is currently insufficient to determine the role of this variant in disease. Therefore, it has been classified as a Variant of Uncertain Significance.